The following is an entry in ClinVar:

NM_006767.4(LZTR1):c.689A>C (p.Asn230Thr)

Gene: LZTR1 (leucine zipper like post translational regulator 1; plus strand). Cytogenetic location: 22q11.21.
Variant type: single nucleotide variant.
Coding change: c.689A>C on transcript NM_006767.4 (MANE Select); coding-DNA position 689, A replaced by C.
Protein change: p.Asn230Thr; replaces asparagine 230 with threonine.
Molecular consequence: missense variant.
Genome position (GRCh38, 1-based): chr22:20,990,423, A>C. VCF-style: chr22-20990423-A-C. GRCh37 (hg19) VCF-style: chr22-21344712-A-C.
Other names: short protein forms N230T.
Identifiers: ClinVar variation 930149 (VCV000930149.5), dbSNP rs752439876, ClinGen allele CA410780487.

ClinVar aggregate classification (germline): Uncertain significance (1 of 4 stars; one submission).

Submission:

Laboratory for Molecular Medicine, Mass General Brigham Personalized Medicine
Classification: Uncertain significance. Last evaluated: 2021-06-09. Review status: criteria provided, single submitter. Criteria: ACMG Guidelines, 2015. Collection method: clinical testing. Allele origin: germline.
Comment: The p.Asn230Thr variant in LZTR1 has not been previously reported in individuals with Noonan Syndrome and was absent from large population studies. Computational prediction tools and conservation analyses suggest that this variant may impact the protein, though this information is not predictive enough to determine pathogenicity. In summary, the clinical significance of this variant is uncertain. ACMG/AMP Criteria applied: PM2, PP3.